The following is an entry in ClinVar:

ClinVar aggregate classification (germline): Likely benign (1 of 4 stars; one submission).

Allele frequency attached by ClinVar (database versions not stated): 1000 Genomes Project 30x 0.00062; 1000 Genomes Project 0.00080; ExAC 0.00176; TOPMed 0.00330; ESP Exome Variant Server 0.00371; gnomAD 0.00436; gnomAD exomes 0.00524.
gnomAD v4.1: 7,850 of 1,544,672 alleles (0.51%); highest among the groups gnomAD compares: Non-Finnish European, 0.59%; 36 homozygotes.

Submission:

CeGaT Center for Human Genetics Tuebingen
Classification: Likely benign. Last evaluated: 2022-11-01. Review status: criteria provided, single submitter. Criteria: CeGaT Center For Human Genetics Tuebingen Variant Classification Criteria Version 2. Collection method: clinical testing. Allele origin: germline. Affected: yes. Observed: 1 variant allele.
Comment: TEDC2: BP4, BP7, BS2

NM_025108.3(TEDC2):c.114G>A (p.Leu38=)

Genes: TEDC2 (tubulin epsilon and delta complex 2; plus strand), LOC130058236 (ATAC-STARR-seq lymphoblastoid silent region 7046; plus strand). Cytogenetic location: 16p13.3.
Variant type: single nucleotide variant.
Coding change: c.114G>A on transcript NM_025108.3 (MANE Select); coding-DNA position 114, G replaced by A.
Protein change: p.Leu38=; no amino-acid change (leucine 38 retained).
Molecular consequence: synonymous variant.
Genome position (GRCh38, 1-based): chr16:2,460,370, G>A. VCF-style: chr16-2460370-G-A. GRCh37 (hg19) VCF-style: chr16-2510371-G-A.
Identifiers: ClinVar variation 2646061 (VCV002646061.24), dbSNP rs201277594, ClinGen allele CA7842927.
Genomic context (GRCh38, chr16:2,460,370, plus strand): 5'-GGACGCCTGCGCACAGCGACAATTGCAATTGGAGCAGAGCCTGCGCGTTTGCCGTCGGCT[G>A]CTGCATGCCTGGTACGCGGACCCCGGACCCACTGGCCAGACCTCCCTCGGGCCCTCAGAG-3'
Protein context (NP_079384.2, residues 28-48): LEQSLRVCRR[Leu38=]LHAWEPTGTR